The following is an entry in ClinVar:

NM_000051.4(ATM):c.*2199C>G

Genes: ATM (ATM serine/threonine kinase; plus strand), C11orf65 (chromosome 11 open reading frame 65; minus strand). Cytogenetic location: 11q22.3.
Variant type: single nucleotide variant.
Coding change: c.*2199C>G on transcript NM_000051.4 (MANE Select); 2199 bases downstream of the stop codon, C replaced by G.
Molecular consequence: 3 prime UTR variant. On other transcripts: intron variant (2).
Genome position (GRCh38, 1-based): chr11:108,367,707, C>G. VCF-style: chr11-108367707-C-G. GRCh37 (hg19) VCF-style: chr11-108238434-C-G.
Other names: c.*2199C>G (NM_001351834.2); c.640+18213G>C (NM_001330368.2); c.694+18213G>C (NM_001351110.2).
Identifiers: ClinVar variation 302278 (VCV000302278.7), dbSNP rs75959910, ClinGen allele CA10637525.

ClinVar aggregate classification (germline): Benign (1 of 4 stars; one submission).

Conditions:
Ataxia-telangiectasia syndrome (AT). Also called: Ataxia telangiectasia (A-T); Cerebello-oculocutaneous telangiectasia; Immunodeficiency with ataxia telangiectasia; LOUIS-BAR SYNDROME; AT, COMPLEMENTATION GROUP C; ATAXIA-TELANGIECTASIA, FRESNO VARIANT. Identifiers: Orphanet 100, MedGen C0004135, MONDO:0008840, OMIM 208900.

Allele frequency attached by ClinVar (database versions not stated): 1000 Genomes Project 30x 0.03310; gnomAD 0.02218 and 0.02227; TOPMed 0.02378; 1000 Genomes Project 0.03235; gnomAD exomes 0.00970.
gnomAD v4.1: 3,945 of 216,066 alleles (1.8%); highest among the groups gnomAD compares: African/African-American, 6.9%; 110 homozygotes.

Submission:

Illumina Laboratory Services, Illumina
Classification: Benign for Ataxia-telangiectasia syndrome. Last evaluated: 2018-01-12. Review status: criteria provided, single submitter. Criteria: ICSL Variant Classification Criteria 13 December 2019. Collection method: clinical testing. Allele origin: germline.
Comment: This variant was observed in the ICSL laboratory as part of a predisposition screen in an ostensibly healthy population. It had not been previously curated by ICSL or reported in the Human Gene Mutation Database (HGMD: prior to June 1st, 2018), and was therefore a candidate for classification through an automated scoring system. Utilizing variant allele frequency, disease prevalence and penetrance estimates, and inheritance mode, an automated score was calculated to assess if this variant is too frequent to cause the disease. Based on the score and internal cut-off values, a variant classified as benign is not then subjected to further curation. The score for this variant resulted in a classification of benign for this disease.